The following is an entry in ClinVar:

NM_003179.3(SYP):c.214G>T (p.Glu72Ter)

Gene: SYP (synaptophysin; minus strand). Cytogenetic location: Xp11.23.
Variant type: single nucleotide variant.
Coding change: c.214G>T on transcript NM_003179.3 (MANE Select); coding-DNA position 214, G replaced by T.
Protein change: p.Glu72Ter; replaces glutamic acid 72 with a stop codon.
Molecular consequence: nonsense.
Genome position (GRCh38, 1-based): chrX:49,197,728, C>A on the plus strand (G>T on the coding strand, the complement: SYP is on the minus strand). VCF-style: chrX-49197728-C-A. GRCh37 (hg19) VCF-style: chrX-49054187-C-A.
Other names: short protein forms E72*.
Identifiers: ClinVar variation 1705715 (VCV001705715.1), dbSNP rs782337921, ClinGen allele CA412954493.
Genomic context (GRCh38, chrX:49,197,728, plus strand): 5'-GCCCCTTCCTCTCCCAGGTCTGTTGGTATCCCAGGGTGGGAGCACACCTGAAGGGGTACT[C>A]GAACTCGACCTCGATGCTGAGGTCACTCTCGGTCTTGTTGGCACAATCCACGCTCAGCTG-3'

ClinVar aggregate classification (germline): Uncertain significance (1 of 4 stars; one submission).

Conditions:
Intellectual developmental disorder, X-linked 96. Also called: Intellectual disability, X-linked 96. Identifiers: Orphanet 777, MedGen C3275408, MONDO:0010429, OMIM 300802.

Submission:

3billion
Classification: Uncertain significance for Intellectual developmental disorder, X-linked 96. Last evaluated: 2022-09-01. Review status: criteria provided, single submitter. Criteria: ACMG Guidelines, 2015. Collection method: clinical testing. Allele origin: germline. Affected: yes. Observed: 1 hemizygote.
Comment: The variant is not observed in the gnomAD v2.1.1 dataset. Stop-gained (nonsense) is predicted to result in a loss or disruption of normal protein function through nonsense-mediated decay (NMD) or protein truncation, but contribution of LOF variant in this gene is incompletely understood. Therefore, this variant is classified as uncertain significance according to the recommendation of ACMG/AMP guideline.